The following is an entry in ClinVar:

NM_017565.4(FAM20A):c.440C>T (p.Thr147Ile)

Gene: FAM20A (FAM20A golgi associated secretory pathway pseudokinase; minus strand). Cytogenetic location: 17q24.2.
Variant type: single nucleotide variant.
Coding change: c.440C>T on transcript NM_017565.4 (MANE Select); coding-DNA position 440, C replaced by T.
Protein change: p.Thr147Ile; replaces threonine 147 with isoleucine.
Molecular consequence: missense variant. On other transcripts: non-coding transcript variant (1).
Genome position (GRCh38, 1-based): chr17:68,555,708, G>A on the plus strand (C>T on the coding strand, the complement: FAM20A is on the minus strand). VCF-style: chr17-68555708-G-A. GRCh37 (hg19) VCF-style: chr17-66551849-G-A.
Other names: c.26C>T, p.Thr9Ile (NM_001243746.2); short protein forms T147I, T9I.
Identifiers: ClinVar variation 947205 (VCV000947205.11), dbSNP rs145784842, ClinGen allele CA8730071.
Genomic context (GRCh38, chr17:68,555,708, plus strand): 5'-CCCAGGTGGAACTGGACCCAGCTGGCCTCGAGTCGGAGCTGCAGTGGGGGGTCCAGGGAG[G>A]TAAGGTTCATCTGCTCTCTGTACATCTTGTGTCGCCTGAAAGAGCCAGATAGTTGTTCAT-3'
Protein context (NP_060035.2, residues 137-157): HKMYREQMNL[Thr147Ile]SLDPPLQLRL

ClinVar aggregate classification (germline): Uncertain significance. Review status: criteria provided, multiple submitters, no conflicts (2 of 4 stars). 5 submissions from 5 submitters: Uncertain significance (5). Last evaluated 2024-10-06.

Conditions:
Inborn genetic diseases. Identifiers: MedGen C0950123, MeSH D030342.
Amelogenesis imperfecta type 1G (AI1G). Also called: AMELOGENESIS IMPERFECTA, HYPOPLASTIC, AND NEPHROCALCINOSIS; Amelogenesis imperfecta nephrocalcinosis; Enamel renal syndrome; Absent enamel, nephrocalcinosis and apparently normal calcium metabolism; Generalized enamel hypoplasia and renal dysfunction; AMELOGENESIS IMPERFECTA, TYPE IG. Identifiers: Orphanet 1031, Orphanet 171836, MedGen C2931783, MONDO:0008771, OMIM 204690. Disease mechanism: loss of function.

Allele frequency attached by ClinVar (database versions not stated): ExAC 0.00007; ESP Exome Variant Server 0.00008; gnomAD exomes 0.00017; gnomAD 0.00023; TOPMed 0.00027.

Submissions (5):

Ambry Genetics
Classification: Uncertain significance for Inborn genetic diseases. Last evaluated: 2024-10-06. Review status: criteria provided, single submitter. Criteria: Ambry Variant Classification Scheme 2023. Collection method: clinical testing. Allele origin: germline.

Clinical Genomics Laboratory, Stanford Medicine
Classification: Uncertain significance for Amelogenesis imperfecta type 1G. Last evaluated: 2022-09-17. Review status: criteria provided, single submitter. Criteria: ACMG Guidelines, 2015. Collection method: clinical testing. Allele origin: germline. Observed: 1 variant allele, 1 heterozygote.

Labcorp Genetics (formerly Invitae), Labcorp
Classification: Uncertain significance. Last evaluated: 2022-06-20. Review status: criteria provided, single submitter. Criteria: Invitae Variant Classification Sherloc (09022015). Collection method: clinical testing. Allele origin: germline.
Comment: This sequence change replaces threonine, which is neutral and polar, with isoleucine, which is neutral and non-polar, at codon 147 of the FAM20A protein (p.Thr147Ile). This variant is present in population databases (rs145784842, gnomAD 0.03%). This variant has not been reported in the literature in individuals affected with FAM20A-related conditions. ClinVar contains an entry for this variant (Variation ID: 947205). Algorithms developed to predict the effect of missense changes on protein structure and function are either unavailable or do not agree on the potential impact of this missense change (SIFT: "Tolerated"; PolyPhen-2: "Possibly Damaging"; Align-GVGD: "Class C0"). In summary, the available evidence is currently insufficient to determine the role of this variant in disease. Therefore, it has been classified as a Variant of Uncertain Significance.

Fulgent Genetics
Classification: Uncertain significance for Amelogenesis imperfecta type 1G. Last evaluated: 2022-04-13. Review status: criteria provided, single submitter. Criteria: ACMG Guidelines, 2015. Collection method: clinical testing. Allele origin: unknown.

Breakthrough Genomics
Classification: Uncertain significance. Review status: criteria provided, single submitter. Criteria: ACMG Guidelines, 2015. Collection method: not provided. Allele origin: germline. Inheritance: Autosomal recessive inheritance. Affected: yes.